The following is an entry in ClinVar:

NM_000492.4(CFTR):c.1904del (p.Asn635fs)

Gene: CFTR (CF transmembrane conductance regulator; plus strand). Cytogenetic location: 7q31.2.
Variant type: Deletion.
Coding change: c.1904del on transcript NM_000492.4 (MANE Select); coding-DNA position 1904, one base deleted (A; older notation c.1904delA).
Protein change: p.Asn635fs; shifts the reading frame from asparagine 635.
Molecular consequence: frameshift variant.
Genome position (GRCh38, 1-based): chr7:117,592,071, A deleted; the last of 4 consecutive A bases (chr7:117,592,068-117,592,071); deleting any one gives the same sequence. VCF-style (leftmost placement, unchanged base first): chr7-117592067-CA-C. GRCh37 (hg19) VCF-style: chr7-117232121-CA-C.
Other names: c.1904del (NM_000492.3); c.1904delA (NM_000492.3); short protein forms N635fs.
Identifiers: ClinVar variation 818133 (VCV000818133.6), dbSNP rs1381239923, ClinGen allele CA577680754.

ClinVar aggregate classification (germline): Pathogenic/Likely pathogenic. Review status: criteria provided, multiple submitters, no conflicts (2 of 4 stars). 3 submissions from 3 submitters: Pathogenic (2); Likely pathogenic (1). Last evaluated 2025-08-05.

Conditions:
Cystic fibrosis (CF). Also called: MUCOVISCIDOSIS. Identifiers: Orphanet 586, MedGen C0010674, MONDO:0009061, OMIM 219700. Disease mechanism: loss of function.
CFTR-related disorder (CFTR-RD). Also called: CFTR-related disorders; CFTR-related condition. Identifiers: MedGen C5924204, MONDO:7770004.

Submissions (3):

Natera, Inc.
Classification: Likely pathogenic for CFTR-related disorders. Last evaluated: 2025-08-05. Review status: criteria provided, single submitter. Criteria: Natera Variant Classification Schema (03/2026). Collection method: clinical testing. Allele origin: germline.
Comment: The c.1904del variant in CFTR is a frameshift variant predicted to shift the reading frame beginning at codon 635 and leads to a stop codon 28 codons downstream. This variant is expected to result in nonsense mediated decay, truncation, or a dysfunctional protein product. This variant is rare in the general population with a frequency below the threshold expected for the associated phenotype(s). Given the available evidence, this variant is classified as Likely Pathogenic.

Labcorp Genetics (formerly Invitae), Labcorp
Classification: Pathogenic for Cystic fibrosis. Last evaluated: 2022-02-02. Review status: criteria provided, single submitter. Criteria: Invitae Variant Classification Sherloc (09022015). Collection method: clinical testing. Allele origin: germline.
Comment: For these reasons, this variant has been classified as Pathogenic. ClinVar contains an entry for this variant (Variation ID: 818133). This variant has not been reported in the literature in individuals affected with CFTR-related conditions. This variant is present in population databases (no rsID available, gnomAD 0.0009%). This sequence change creates a premature translational stop signal (p.Asn635Ilefs*28) in the CFTR gene. It is expected to result in an absent or disrupted protein product. Loss-of-function variants in CFTR are known to be pathogenic (PMID: 1695717, 7691345, 9725922).

CFTR-France
Classification: Pathogenic for cystic fibrosis. Last evaluated: 2018-01-29. Review status: criteria provided, single submitter. Criteria: Claustres M et al. (Hum Mutat 2017). Collection method: curation. Allele origin: germline. Affected: yes.

Literature cited by the submitters: PubMed 1695717 (cited by Labcorp Genetics (formerly Invitae), Labcorp); PubMed 7691345 (cited by Labcorp Genetics (formerly Invitae), Labcorp); PubMed 9725922 (cited by Labcorp Genetics (formerly Invitae), Labcorp).